The following is an entry in ClinVar:

ClinVar aggregate classification (germline): Likely pathogenic (1 of 4 stars; one submission).

Conditions:
Fanconi anemia complementation group A (FANCA). Also called: Fanconi anemia, group A; FANCA-Related Fanconi Anemia. Identifiers: Orphanet 84, MedGen C3469521, MONDO:0009215, OMIM 227650.

Submission:

Myriad Genetics, Inc.
Classification: Likely pathogenic for Fanconi anemia complementation group A. Last evaluated: 2021-12-17. Review status: criteria provided, single submitter. Criteria: Myriad Women's Health Autosomal Recessive and X-Linked Classification Criteria (2021). Collection method: clinical testing. Allele origin: unknown.
Comment: NM_000135.2(FANCA):c.714dupT(V239Cfs*22) is expected to be pathogenic in the context of Fanconi anemia complementation group A. This variant is predicted to lead to an abnormal or absent protein product due to the creation of a premature termination codon in FANCA, a gene where loss-of-function variants are known to be pathogenic. Please note: this variant was assessed in the context of healthy population screening.

NM_000135.4(FANCA):c.714dup (p.Val239fs)

Gene: FANCA (FA complementation group A; minus strand). Cytogenetic location: 16q24.3.
Variant type: Duplication.
Coding change: c.714dup on transcript NM_000135.4 (MANE Select); coding-DNA position 714, one base duplicated (T; older notation c.714dupT).
Protein change: p.Val239fs; shifts the reading frame from valine 239.
Molecular consequence: frameshift variant.
Genome position (GRCh38, 1-based): chr16:89,803,337, A duplicated on the plus strand (T on the coding strand, the reverse complement: FANCA is on the minus strand); the first of 4 consecutive A bases (chr16:89,803,337-89,803,340); duplicating any one gives the same sequence. VCF-style (leftmost placement, unchanged base first): chr16-89803336-C-CA. GRCh37 (hg19) VCF-style: chr16-89869744-C-CA.
Other names: c.714dup, p.Val239fs (NM_001018112.3, NM_001286167.3); c.618dup, p.Val207fs (NM_001351830.2); short protein forms V207fs, V239fs.
Identifiers: ClinVar variation 1726391 (VCV001726391.2), dbSNP rs2544322402, ClinGen allele CA2580092355.